The following is an entry in ClinVar:

NM_003073.5(SMARCB1):c.412A>G (p.Ser138Gly)

Gene: SMARCB1 (SWI/SNF related BAF chromatin remodeling complex subunit B1; plus strand). Cytogenetic location: 22q11.23.
Variant type: single nucleotide variant.
Coding change: c.412A>G on transcript NM_003073.5 (MANE Select); coding-DNA position 412, A replaced by G.
Protein change: p.Ser138Gly; replaces serine 138 with glycine.
Molecular consequence: missense variant.
Genome position (GRCh38, 1-based): chr22:23,800,993, A>G. VCF-style: chr22-23800993-A-G. GRCh37 (hg19) VCF-style: chr22-24143180-A-G.
Other names: c.385A>G, p.Ser129Gly (NM_001007468.3, NM_001317946.2); c.412A>G, p.Ser138Gly (NM_001362877.2); short protein forms S138G, S129G.
Identifiers: ClinVar variation 3446084 (VCV003446084.3).

ClinVar aggregate classification (germline): Uncertain significance. Review status: criteria provided, multiple submitters, no conflicts (2 of 4 stars). 2 submissions from 2 submitters: Uncertain significance (2). Last evaluated 2024-10-15.

Conditions:
Hereditary cancer-predisposing syndrome. Also called: Tumor predisposition; Neoplastic Syndromes, Hereditary; Hereditary neoplastic syndrome; Hereditary Cancer Syndrome. Identifiers: Orphanet 140162, MedGen C0027672, MeSH D009386, MONDO:0015356.

Submissions (2):

Ambry Genetics
Classification: Uncertain significance for Hereditary cancer-predisposing syndrome. Last evaluated: 2024-10-15. Review status: criteria provided, single submitter. Criteria: Ambry Variant Classification Scheme 2023. Collection method: clinical testing. Allele origin: germline.
Comment: The p.S138G variant (also known as c.412A>G), located in coding exon 4 of the SMARCB1 gene, results from an A to G substitution at nucleotide position 412. The serine at codon 138 is replaced by glycine, an amino acid with similar properties. This amino acid position is conserved. In addition, the in silico prediction for this alteration is inconclusive. Based on the available evidence, the clinical significance of this variant remains unclear.

Labcorp Genetics (formerly Invitae), Labcorp
Classification: Uncertain significance. Last evaluated: 2024-09-03. Review status: criteria provided, single submitter. Criteria: Invitae Variant Classification Sherloc (09022015). Collection method: clinical testing. Allele origin: germline.
Comment: This sequence change replaces serine, which is neutral and polar, with glycine, which is neutral and non-polar, at codon 138 of the SMARCB1 protein (p.Ser138Gly). This variant is not present in population databases (gnomAD no frequency). This variant has not been reported in the literature in individuals affected with SMARCB1-related conditions. Invitae Evidence Modeling of protein sequence and biophysical properties (such as structural, functional, and spatial information, amino acid conservation, physicochemical variation, residue mobility, and thermodynamic stability) indicates that this missense variant is not expected to disrupt SMARCB1 protein function with a negative predictive value of 80%. In summary, the available evidence is currently insufficient to determine the role of this variant in disease. Therefore, it has been classified as a Variant of Uncertain Significance.